The following is an entry in ClinVar:

NM_201384.3(PLEC):c.12601C>T (p.Arg4201Cys)

Gene: PLEC (plectin; minus strand). Cytogenetic location: 8q24.3.
Variant type: single nucleotide variant.
Coding change: c.12601C>T on transcript NM_201384.3 (MANE Select); coding-DNA position 12601, C replaced by T.
Protein change: p.Arg4201Cys; replaces arginine 4201 with cysteine.
Molecular consequence: missense variant.
Genome position (GRCh38, 1-based): chr8:143,917,220, G>A on the plus strand (C>T on the coding strand, the complement: PLEC is on the minus strand). VCF-style: chr8-143917220-G-A. GRCh37 (hg19) VCF-style: chr8-144991388-G-A.
Other names: c.12682C>T, p.Arg4228Cys (NM_000445.5); c.12559C>T, p.Arg4187Cys (NM_201378.4); c.12535C>T, p.Arg4179Cys (NM_201379.3); c.13012C>T, p.Arg4338Cys (NM_201380.4); c.12505C>T, p.Arg4169Cys (NM_201381.3); c.12601C>T, p.Arg4201Cys (NM_201382.4); c.12613C>T, p.Arg4205Cys (NM_201383.3); c.12682C>T (NM_000445.4); short protein forms R4169C, R4179C, R4187C, R4201C, R4205C, R4228C, R4338C.
Identifiers: ClinVar variation 196856 (VCV000196856.14), dbSNP rs782591407, ClinGen allele CA244604.

ClinVar aggregate classification (germline): Uncertain significance. Review status: criteria provided, multiple submitters, no conflicts (2 of 4 stars). 3 submissions from 3 submitters: Uncertain significance (3). Last evaluated 2026-02-03.

Conditions:
PLEC-related disorder. Also called: PLEC-related condition; PLEC-related disorders.
Epidermolysis bullosa simplex 5B, with muscular dystrophy (EBS5B). Also called: EPIDERMOLYSIS BULLOSA SIMPLEX AND LIMB-GIRDLE MUSCULAR DYSTROPHY; Epidermolysis bullosa simplex with muscular dystrophy. Identifiers: Orphanet 257, MedGen C2931072, MONDO:0009181, OMIM 226670.
Epidermolysis bullosa simplex, Ogna type (EBS5A). Also called: Pidermolysis bullosa simplex 5A, Ogna type; EPIDERMOLYSIS BULLOSA SIMPLEX 5A, OGNA TYPE. Identifiers: Orphanet 79401, MedGen C0432317, MONDO:0007555, OMIM 131950.
Autosomal recessive limb-girdle muscular dystrophy type 2Q (LGMDR17). Also called: MUSCULAR DYSTROPHY, LIMB-GIRDLE, AUTOSOMAL RECESSIVE 17. Identifiers: Orphanet 254361, MedGen C3150989, MONDO:0013390, OMIM 613723.
Epidermolysis bullosa simplex with nail dystrophy (EBS5D). Identifiers: MedGen C4225309, MONDO:0014661, OMIM 616487.
Epidermolysis bullosa simplex 5C, with pyloric atresia (EBS5C). Also called: PLEC-Related Epidermolysis Bullosa with Pyloric Atresia; Epidermolysis bullosa simplex with pyloric atresia; PLEC1-Related Epidermolysis Bullosa with Pyloric Atresia. Identifiers: Orphanet 158684, MedGen C2677349, MONDO:0012807, OMIM 612138.

Allele frequency attached by ClinVar (database versions not stated): gnomAD 0.00002 and 0.00003; gnomAD exomes 0.00002 and 0.00005; ExAC 0.00003; TOPMed 0.00003.
gnomAD v4.1: 82 of 1,612,970 alleles (0.0051%); highest among the groups gnomAD compares: East Asian, 0.06%; no homozygotes.

Submissions (3):

PreventionGenetics, part of Exact Sciences
Classification: Uncertain significance for PLEC-related condition. Last evaluated: 2026-02-03. Review status: criteria provided, single submitter. Criteria: ACMG Guidelines, 2015. Collection method: clinical testing. Allele origin: germline.
Comment: The PLEC c.12682C>T variant is predicted to result in the amino acid substitution p.Arg4228Cys. To our knowledge, this variant has not been reported in the literature. This variant is reported in 0.0098% of alleles in individuals of South Asian descent in gnomAD. At this time, the clinical significance of this variant is uncertain due to the absence of conclusive functional and genetic evidence.

Labcorp Genetics (formerly Invitae), Labcorp
Classification: Uncertain significance for Autosomal recessive limb-girdle muscular dystrophy type 2Q; Epidermolysis bullosa simplex, Ogna type; Epidermolysis bullosa simplex with nail dystrophy; Epidermolysis bullosa simplex 5C, with pyloric atresia; Epidermolysis bullosa simplex 5B, with muscular dystrophy. Last evaluated: 2024-06-10. Review status: criteria provided, single submitter. Criteria: Invitae Variant Classification Sherloc (09022015). Collection method: clinical testing. Allele origin: germline.
Comment: This sequence change replaces arginine, which is basic and polar, with cysteine, which is neutral and slightly polar, at codon 4228 of the PLEC protein (p.Arg4228Cys). This variant is present in population databases (rs782591407, gnomAD 0.01%). This variant has not been reported in the literature in individuals affected with PLEC-related conditions. ClinVar contains an entry for this variant (Variation ID: 196856). Advanced modeling of protein sequence and biophysical properties (such as structural, functional, and spatial information, amino acid conservation, physicochemical variation, residue mobility, and thermodynamic stability) performed at Invitae indicates that this missense variant is expected to disrupt PLEC protein function with a positive predictive value of 80%. In summary, the available evidence is currently insufficient to determine the role of this variant in disease. Therefore, it has been classified as a Variant of Uncertain Significance.

Eurofins Ntd Llc (ga)
Classification: Uncertain significance. Last evaluated: 2015-05-06. Review status: criteria provided, single submitter. Criteria: EGL Classification Definitions 2015. Collection method: clinical testing. Allele origin: germline. Observed: 1 variant allele, 1 heterozygote.